The following is an entry in ClinVar:

ClinVar aggregate classification (germline): Uncertain significance (1 of 4 stars; one submission).

Conditions:
Axenfeld-Rieger syndrome type 3 (RIEG3). Also called: AXENFELD-RIEGER ANOMALY WITH CARDIAC DEFECTS AND/OR SENSORINEURAL HEARING LOSS. Identifiers: Orphanet 782, MedGen C2678503, MONDO:0011233, OMIM 602482.

Submission:

Labcorp Genetics (formerly Invitae), Labcorp
Classification: Uncertain significance for Axenfeld-Rieger syndrome type 3. Last evaluated: 2025-06-12. Review status: criteria provided, single submitter. Criteria: Invitae Variant Classification Sherloc (09022015). Collection method: clinical testing. Allele origin: germline.
Comment: This sequence change affects codon 252 of the FOXC1 mRNA. It is a 'silent' change, meaning that it does not change the encoded amino acid sequence of the FOXC1 protein. This variant is not present in population databases (gnomAD no frequency). This variant has not been reported in the literature in individuals affected with FOXC1-related conditions. ClinVar contains an entry for this variant (Variation ID: 2711296). In summary, the available evidence is currently insufficient to determine the role of this variant in disease. Therefore, it has been classified as a Variant of Uncertain Significance.

NM_001453.3(FOXC1):c.756C>T (p.Ala252=)

Gene: FOXC1 (forkhead box C1; plus strand). Cytogenetic location: 6p25.3.
Variant type: single nucleotide variant.
Coding change: c.756C>T on transcript NM_001453.3 (MANE Select); coding-DNA position 756, C replaced by T.
Protein change: p.Ala252=; no amino-acid change (alanine 252 retained).
Molecular consequence: synonymous variant.
Genome position (GRCh38, 1-based): chr6:1,611,201, C>T. VCF-style: chr6-1611201-C-T. GRCh37 (hg19) VCF-style: chr6-1611436-C-T.
Identifiers: ClinVar variation 2711296 (VCV002711296.3), dbSNP rs1762537048, ClinGen allele CA448393741.
Genomic context (GRCh38, chr6:1,611,201, plus strand): 5'-GTGCCCCTCGCCGCCCCAGCCCCTGTCCCCGGCCGCCGCCCTGGGCAGCGGCAGCGCCGC[C>T]GCGGTGCCCAAGATCGAGAGCCCCGACAGCAGCAGCAGCAGCCTGTCCAGCGGGAGCAGC-3'
Protein context (NP_001444.2, residues 242-262): PAAALGSGSA[Ala252=]AVPKIESPDS